The following is an entry in ClinVar:

ClinVar aggregate classification (germline): Pathogenic (1 of 4 stars; one submission).

Conditions:
Hereditary cancer-predisposing syndrome. Also called: Neoplastic Syndromes, Hereditary; Tumor predisposition; Hereditary Cancer Syndrome; Hereditary neoplastic syndrome. Identifiers: Orphanet 140162, MedGen C0027672, MeSH D009386, MONDO:0015356.

Submission:

Ambry Genetics
Classification: Pathogenic for Hereditary cancer-predisposing syndrome. Last evaluated: 2026-04-24. Review status: criteria provided, single submitter. Criteria: Ambry Variant Classification Scheme 2023. Collection method: clinical testing. Allele origin: germline.
Comment: The c.2863delA variant, located in coding exon 20 of the TSC1 gene, results from a deletion of one nucleotide at nucleotide position 2863, causing a translational frameshift with a predicted alternate stop codon (p.T955Pfs*9). This variant is considered to be rare based on population cohorts in the Genome Aggregation Database (gnomAD). This alteration is expected to result in loss of function by premature protein truncation or nonsense-mediated mRNA decay. As such, this alteration is interpreted as a disease-causing mutation.

NM_000368.5(TSC1):c.2863del (p.Thr955fs)

Gene: TSC1 (TSC complex subunit 1; minus strand). Cytogenetic location: 9q34.13.
Variant type: Deletion.
Coding change: c.2863del on transcript NM_000368.5 (MANE Select); coding-DNA position 2863, one base deleted (A; older notation c.2863delA).
Protein change: p.Thr955fs; shifts the reading frame from threonine 955.
Molecular consequence: frameshift variant. On other transcripts: non-coding transcript variant (5).
Genome position (GRCh38, 1-based): chr9:132,897,296, T deleted on the plus strand (A on the coding strand, the reverse complement: TSC1 is on the minus strand); the first of 2 consecutive T bases (chr9:132,897,296-132,897,297); deleting either gives the same sequence. VCF-style (leftmost placement, unchanged base first): chr9-132897295-GT-G. GRCh37 (hg19) VCF-style: chr9-135772682-GT-G.
Other names: c.2860del, p.Thr954fs (NM_001162426.2, NM_001406597.1, NM_001406598.1 and 2 more transcripts); c.2710del, p.Thr904fs (NM_001162427.2, NM_001406610.1); c.2500del, p.Thr834fs (NM_001362177.2, NM_001406614.1, NM_001406615.1 and 4 more transcripts); c.2863del, p.Thr955fs (NM_001406592.1, NM_001406593.1, NM_001406594.1 and 2 more transcripts); c.2848del, p.Thr950fs (NM_001406601.1, NM_001406602.1); c.2845del, p.Thr949fs (NM_001406603.1, NM_001406604.1); c.2821del, p.Thr941fs (NM_001406605.1, NM_001406606.1, NM_001406607.1); c.2818del, p.Thr940fs (NM_001406608.1, NM_001406609.1); and 9 more; short protein forms T604fs, T637fs, T638fs, T819fs, T820fs, T833fs, T834fs, T889fs.
Identifiers: ClinVar variation 4866026 (VCV004866026.1).